The following is an entry in ClinVar:

ClinVar aggregate classification (germline): Uncertain significance (1 of 4 stars; one submission).

Allele frequency attached by ClinVar (database versions not stated): TOPMed below 0.00001; gnomAD 0.00001.
gnomAD v4.1: 3 of 1,560,932 alleles (0.00019%); highest among the groups gnomAD compares: Non-Finnish European, 0.00026%; no homozygotes.

Submission:

Labcorp Genetics (formerly Invitae), Labcorp
Classification: Uncertain significance. Last evaluated: 2022-10-18. Review status: criteria provided, single submitter. Criteria: Invitae Variant Classification Sherloc (09022015). Collection method: clinical testing. Allele origin: germline.
Comment: This sequence change replaces glutamic acid with aspartic acid at codon 226 of the TCF3 protein (p.Glu226Asp). The glutamic acid residue is weakly conserved and there is a small physicochemical difference between glutamic acid and aspartic acid. This variant is not present in population databases (gnomAD no frequency). This variant has not been reported in the literature in individuals affected with TCF3-related conditions. ClinVar contains an entry for this variant (Variation ID: 1501132). Advanced modeling of protein sequence and biophysical properties (such as structural, functional, and spatial information, amino acid conservation, physicochemical variation, residue mobility, and thermodynamic stability) performed at Invitae indicates that this missense variant is not expected to disrupt TCF3 protein function. In summary, the available evidence is currently insufficient to determine the role of this variant in disease. Therefore, it has been classified as a Variant of Uncertain Significance.

NM_003200.5(TCF3):c.678G>C (p.Glu226Asp)

Gene: TCF3 (transcription factor 3; minus strand). Cytogenetic location: 19p13.3.
Variant type: single nucleotide variant.
Coding change: c.678G>C on transcript NM_003200.5 (MANE Select); coding-DNA position 678, G replaced by C.
Protein change: p.Glu226Asp; replaces glutamic acid 226 with aspartic acid.
Molecular consequence: missense variant.
Genome position (GRCh38, 1-based): chr19:1,622,198, C>G on the plus strand (G>C on the coding strand, the complement: TCF3 is on the minus strand). VCF-style: chr19-1622198-C-G. GRCh37 (hg19) VCF-style: chr19-1622197-C-G.
Other names: c.678G>C, p.Glu226Asp (NM_001136139.4, NM_001351778.2, NM_001351779.2); short protein forms E226D.
Identifiers: ClinVar variation 1501132 (VCV001501132.8), dbSNP rs1182112166, ClinGen allele CA403055922.